The following is an entry in ClinVar:

ClinVar aggregate classification (germline): Likely benign. Review status: criteria provided, single submitter (1 of 4 stars). 2 submissions from 2 submitters: Likely benign (1). 1 of the submissions does not count toward it. Last evaluated 2025-01-20.

Conditions:
FAT4-related disorder. Also called: FAT4-related condition.

Allele frequency attached by ClinVar (database versions not stated): gnomAD exomes below 0.00001; gnomAD 0.00001.
gnomAD v4.1: 2 of 1,580,118 alleles (0.00013%); highest among the groups gnomAD compares: East Asian, 0.0023%; no homozygotes.

Submissions (2):

Labcorp Genetics (formerly Invitae), Labcorp
Classification: Likely benign. Last evaluated: 2025-01-20. Review status: criteria provided, single submitter. Criteria: Invitae Variant Classification Sherloc (09022015). Collection method: clinical testing. Allele origin: germline.

PreventionGenetics, part of Exact Sciences
Classification: Likely benign for FAT4-related condition. Last evaluated: 2023-07-24. Review status: no assertion criteria provided. Collection method: clinical testing. Allele origin: germline. Not counted in ClinVar's aggregate classification.
Comment: This variant is classified as likely benign based on ACMG/AMP sequence variant interpretation guidelines (Richards et al. 2015 PMID: 25741868, with internal and published modifications).

NM_001291303.3(FAT4):c.12465A>G (p.Gln4155=)

Gene: FAT4 (FAT atypical cadherin 4; plus strand). Cytogenetic location: 4q28.1.
Variant type: single nucleotide variant.
Coding change: c.12465A>G on transcript NM_001291303.3 (MANE Select); coding-DNA position 12465, A replaced by G.
Protein change: p.Gln4155=; no amino-acid change (glutamine 4155 retained).
Molecular consequence: synonymous variant.
Genome position (GRCh38, 1-based): chr4:125,477,320, A>G. VCF-style: chr4-125477320-A-G. GRCh37 (hg19) VCF-style: chr4-126398475-A-G.
Other names: c.12465A>G, p.Gln4155= (NM_001291285.3); c.12459A>G, p.Gln4153= (NM_024582.6); c.12459A>G (NM_024582.4).
Identifiers: ClinVar variation 1559361 (VCV001559361.10), dbSNP rs1727063661, ClinGen allele CA441373139.
Genomic context (GRCh38, chr4:125,477,320, plus strand): 5'-TATAATGGAGTTTGCAGTCAATGGAAGGCCTCTGGAACCCAGCCAAGCTTTGGCAGCACA[A>G]GGCATCCTAGATCAGTATGGCGATTTTATTTCTTACTGTTTTAAAGAAAAAAAATGCAAA-3'
Protein context (NP_001278232.1, residues 4145-4165): PLEPSQALAA[Gln4155=]GILDQCPRLE